The following is an entry in ClinVar:

NM_003283.6(TNNT1):c.192+2dup

Gene: TNNT1 (troponin T1, slow skeletal type; minus strand). Cytogenetic location: 19q13.42.
Variant type: Duplication.
Coding change: c.192+2dup on transcript NM_003283.6 (MANE Select); the canonical splice donor site of the intron after coding-DNA position 192, one base duplicated (T; older notation c.192+2dupT).
Molecular consequence: splice donor variant.
Genome position (GRCh38, 1-based): chr19:55,141,855, A duplicated on the plus strand (T on the coding strand, the reverse complement: TNNT1 is on the minus strand). VCF-style (leftmost placement, unchanged base first): chr19-55141854-T-TA. GRCh37 (hg19) VCF-style: chr19-55653222-T-TA.
Other names: NM_001291774.2:c.159+2dup; c.159+2dup (NM_001126133.3, NM_001291774.2); c.192+2dup (NM_001126132.3).
Identifiers: ClinVar variation 2500958 (VCV002500958.23), dbSNP rs2085462282, ClinGen allele CA658795132.

ClinVar aggregate classification (germline): Conflicting classifications of pathogenicity. Review status: criteria provided, conflicting classifications (1 of 4 stars). 2 submissions from 2 submitters: Likely pathogenic (1); Uncertain significance (1). Last evaluated 2024-02-01.

Conditions:
Nemaline myopathy 5 (NEM5A). Also called: NEMALINE MYOPATHY, AMISH TYPE; NEMALINE MYOPATHY 5A, AUTOSOMAL RECESSIVE, SEVERE INFANTILE; Nemaline myopathy 5, Amish type. Identifiers: Orphanet 98902, MedGen C1854380, MONDO:0011539, OMIM 605355.

Allele frequency attached by ClinVar (database versions not stated): TOPMed below 0.00001; gnomAD exomes 0.00001.

Submissions (2):

CeGaT Center for Human Genetics Tuebingen
Classification: Uncertain significance. Last evaluated: 2024-02-01. Review status: criteria provided, single submitter. Criteria: CeGaT Center For Human Genetics Tuebingen Variant Classification Criteria Version 2. Collection method: clinical testing. Allele origin: germline. Affected: yes. Observed: 1 variant allele.
Comment: TNNT1: PM2, PP3

Broad Center for Mendelian Genomics, Broad Institute of MIT and Harvard
Classification: Likely pathogenic for Nemaline myopathy 5. Last evaluated: 2023-05-02. Review status: criteria provided, single submitter. Criteria: ACMG Guidelines, 2015. Collection method: curation. Allele origin: germline. Inheritance: Autosomal recessive inheritance.
Comment: The c.192+2dup variant in TNNT1 has not been previously reported in individuals with nemaline myopathy 5 but has been identified in 0.0004% (1/264690) of chromosomes by TopMed Bravo (dbSNP ID: rs2085462282). Although this variant has been seen in the general population in a heterozygous state, its frequency is low enough to be consistent with a recessive carrier frequency. This variant is located in the 5' splice region. Computational tools predict a splicing impact, though this information is not predictive enough to determine pathogenicity. There is an in-frame cryptic splice site 123 bases from the intron-exon boundary, providing evidence that this variant may delete 41 amino acids instead of causing loss of function. However, this information is not predictive enough to determine pathogenicity. Loss of function of the TNNT1 gene is an established disease mechanism in autosomal recessive nemaline myopathy 5. In summary, although additional studies are required to fully establish its clinical significance, this variant is likely pathogenic for autosomal recessive nemaline myopathy 5. ACMG/AMP Criteria applied: PVS1_Strong, PM2_Supporting, PM3_Supporting (Richards 2015).